The following is an entry in ClinVar:

NM_001267550.2(TTN):c.33971A>G (p.Lys11324Arg)

Gene: TTN (titin; minus strand). Cytogenetic location: 2q31.2.
Variant type: single nucleotide variant.
Coding change: c.33971A>G on transcript NM_001267550.2 (MANE Select); coding-DNA position 33971, A replaced by G.
Protein change: p.Lys11324Arg; replaces lysine 11324 with arginine.
Molecular consequence: missense variant. On other transcripts: intron variant (3).
Genome position (GRCh38, 1-based): chr2:178,678,148, T>C on the plus strand (A>G on the coding strand, the complement: TTN is on the minus strand). VCF-style: chr2-178678148-T-C. GRCh37 (hg19) VCF-style: chr2-179542875-T-C.
Other names: c.30239A>G, p.Lys10080Arg (NM_133378.4); c.33020A>G, p.Lys11007Arg (NM_001256850.1); c.13283-35831A>G (NM_003319.4); c.13859-35831A>G (NM_133437.4); c.13658-35831A>G (NM_133432.3); short protein forms K10080R, K11324R, K11007R.
Identifiers: ClinVar variation 179462 (VCV000179462.5), dbSNP rs727504880, ClinGen allele CA184467.

ClinVar aggregate classification (germline): Uncertain significance (1 of 4 stars; one submission).

Allele frequency attached by ClinVar (database versions not stated): gnomAD exomes below 0.00001; ExAC 0.00001.
gnomAD v4.1: 8 of 1,611,302 alleles (0.0005%); highest among the groups gnomAD compares: Non-Finnish European, 0.00068%; no homozygotes.

Submission:

Laboratory for Molecular Medicine, Mass General Brigham Personalized Medicine
Classification: Uncertain significance. Last evaluated: 2013-12-06. Review status: criteria provided, single submitter. Criteria: LMM Criteria. Collection method: clinical testing. Allele origin: germline. Observed: 2 variant alleles.
Comment: The Lys10080Arg variant in TTN has not been reported in individuals with cardiom yopathy or in large population studies. Lysine (Lys) at position 10080 is not co nserved in evolutionarily distant species and 2 species (turkey and coelacanth) carry an arginine (Arg) at this position, raising the possibility that this chan ge may be tolerated. Additional computational analyses (biochemical amino acid p roperties, conservation, AlignGVGD, PolyPhen2, and SIFT) suggest that the Lys100 80Arg variant may not impact the protein, though this information is not predict ive enough to rule out pathogenicity. Additional information is needed to fully assess the clinical significance of the Lys10080Arg variant.